The following is an entry in ClinVar:

NM_015721.3(GEMIN4):c.2424G>A (p.Gly808=)

Gene: GEMIN4 (gem nuclear organelle associated protein 4; minus strand). Cytogenetic location: 17p13.3.
Variant type: single nucleotide variant.
Coding change: c.2424G>A on transcript NM_015721.3 (MANE Select); coding-DNA position 2424, G replaced by A.
Protein change: p.Gly808=; no amino-acid change (glycine 808 retained).
Molecular consequence: synonymous variant.
Genome position (GRCh38, 1-based): chr17:745,619, C>T on the plus strand (G>A on the coding strand, the complement: GEMIN4 is on the minus strand). VCF-style: chr17-745619-C-T. GRCh37 (hg19) VCF-style: chr17-648859-C-T.
Identifiers: ClinVar variation 2647168 (VCV002647168.24), dbSNP rs369450971, ClinGen allele CA8262425.

ClinVar aggregate classification (germline): Likely benign (1 of 4 stars; one submission).

Allele frequency attached by ClinVar (database versions not stated): gnomAD 0.00002; TOPMed 0.00002; gnomAD exomes 0.00006; ESP Exome Variant Server 0.00008; ExAC 0.00025.
gnomAD v4.1: 90 of 1,606,634 alleles (0.0056%); highest among the groups gnomAD compares: Non-Finnish European, 0.0067%; no homozygotes.

Submission:

CeGaT Center for Human Genetics Tuebingen
Classification: Likely benign. Last evaluated: 2023-08-01. Review status: criteria provided, single submitter. Criteria: CeGaT Center For Human Genetics Tuebingen Variant Classification Criteria Version 2. Collection method: clinical testing. Allele origin: germline. Affected: yes. Observed: 1 variant allele.
Comment: GEMIN4: BP4, BP7